The following is an entry in ClinVar:

ClinVar aggregate classification (germline): Likely benign. Review status: criteria provided, multiple submitters, no conflicts (2 of 4 stars). 2 submissions from 2 submitters: Likely benign (2). Last evaluated 2026-07-01.

Allele frequency attached by ClinVar (database versions not stated): 1000 Genomes Project 0.00060; 1000 Genomes Project 30x 0.00094; ExAC 0.00149; ESP Exome Variant Server 0.00304; gnomAD exomes 0.00386.
gnomAD v4.1: 5,689 of 1,548,936 alleles (0.37%); highest among the groups gnomAD compares: Non-Finnish European, 0.46%; 18 homozygotes.

Submissions (2):

CeGaT Center for Human Genetics Tuebingen
Classification: Likely benign. Last evaluated: 2026-07-01. Review status: criteria provided, single submitter. Criteria: CeGaT Center For Human Genetics Tuebingen Variant Classification Criteria Version 2. Collection method: clinical testing. Allele origin: germline. Affected: yes. Observed: 3 variant alleles.
Comment: SMPD4: BP4, BP7, BS2

Blueprint Genetics
Classification: Likely benign. Last evaluated: 2024-11-26. Review status: criteria provided, single submitter. Criteria: ACMG Guidelines, 2015. Collection method: clinical testing. Allele origin: germline.

NM_017951.5(SMPD4):c.2457C>T (p.Thr819=)

Gene: SMPD4 (sphingomyelin phosphodiesterase 4; minus strand). Cytogenetic location: 2q21.1.
Variant type: single nucleotide variant.
Coding change: c.2457C>T on transcript NM_017951.5 (MANE Select); coding-DNA position 2457, C replaced by T.
Protein change: p.Thr819=; no amino-acid change (threonine 819 retained).
Molecular consequence: synonymous variant. On other transcripts: non-coding transcript variant (2).
Genome position (GRCh38, 1-based): chr2:130,152,582, G>A on the plus strand (C>T on the coding strand, the complement: SMPD4 is on the minus strand). VCF-style: chr2-130152582-G-A. GRCh37 (hg19) VCF-style: chr2-130910155-G-A.
Other names: c.2268C>T, p.Thr756= (NM_001171083.2); c.2487C>T, p.Thr829= (NM_017751.4).
Identifiers: ClinVar variation 2651354 (VCV002651354.25), dbSNP rs143175313, ClinGen allele CA1869409.
Genomic context (GRCh38, chr2:130,152,582, plus strand): 5'-CCCTCCAGCCTGCTCTGAAGGCAGCTGACACCTTCAGGGCTGGTGCAGCTTCCCCCGCTC[G>A]GTCAGCAGTGTCATGGCAGAGGCGTAGAGGACATAGCCCAGGGTGAGCAGCAGCGTGCAT-3'
Protein context (NP_060421.3, residues 809-827): VLYASAMTLL[Thr819=]ERGKLHQP